The following is an entry in ClinVar:

NM_000138.5(FBN1):c.4903A>G (p.Thr1635Ala)

Gene: FBN1 (fibrillin 1; minus strand). Cytogenetic location: 15q21.1.
Variant type: single nucleotide variant.
Coding change: c.4903A>G on transcript NM_000138.5 (MANE Select); coding-DNA position 4903, A replaced by G.
Protein change: p.Thr1635Ala; replaces threonine 1635 with alanine.
Molecular consequence: missense variant.
Genome position (GRCh38, 1-based): chr15:48,465,607, T>C on the plus strand (A>G on the coding strand, the complement: FBN1 is on the minus strand). VCF-style: chr15-48465607-T-C. GRCh37 (hg19) VCF-style: chr15-48757804-T-C.
Other names: short protein forms T1635A.
Identifiers: ClinVar variation 923327 (VCV000923327.4), dbSNP rs1374520881, ClinGen allele CA392351130.
Genomic context (GRCh38, chr15:48,465,607, plus strand): 5'-CATCCTACCAGGACCATTTACCATCACACACTCGTGTATCTTCATTCAGGTAGTAGCCGG[T>C]TGGACAGCGGCACTGGAAACTCCCAAAGGTGTTGATACATTTTCCTCCTTGGCACAGCCC-3'
Protein context (NP_000129.3, residues 1625-1645): TFGSFQCRCP[Thr1635Ala]GYYLNEDTRV

ClinVar aggregate classification (germline): Uncertain significance (1 of 4 stars; one submission).

Conditions:
Familial thoracic aortic aneurysm and aortic dissection (TAAD). Also called: Thoracic aortic aneurysms and dissections. Identifiers: Orphanet 91387, MedGen C4707243, MONDO:0019625.

Allele frequency attached by ClinVar (database versions not stated): TOPMed below 0.00001.

Submission:

Color Diagnostics, LLC DBA Color Health
Classification: Uncertain significance for Familial thoracic aortic aneurysm and aortic dissection. Last evaluated: 2024-03-06. Review status: criteria provided, single submitter. Criteria: ACMG Guidelines, 2015. Collection method: clinical testing. Allele origin: germline.
Comment: This missense variant replaces threonine with alanine at codon 1635 of the FBN1 protein. Computational prediction tool suggests that this variant may not impact protein structure and function (internally defined REVEL score threshold <=0.5, PMID: 27666373). Splice site prediction tools suggest that this variant may not impact RNA splicing. To our knowledge, functional studies have not been performed for this variant. This variant has not been reported in individuals affected with cardiovascular disorders in the literature. This variant has not been identified in the general population by the Genome Aggregation Database (gnomAD). The available evidence is insufficient to determine the role of this variant in disease conclusively. Therefore, this variant is classified as a Variant of Uncertain Significance.